The following is an entry in ClinVar:

NM_004304.5(ALK):c.3929C>T (p.Thr1310Ile)

Gene: ALK (ALK receptor tyrosine kinase; minus strand). Cytogenetic location: 2p23.2.
Variant type: single nucleotide variant.
Coding change: c.3929C>T on transcript NM_004304.5 (MANE Select); coding-DNA position 3929, C replaced by T.
Protein change: p.Thr1310Ile; replaces threonine 1310 with isoleucine.
Molecular consequence: missense variant.
Genome position (GRCh38, 1-based): chr2:29,207,180, G>A on the plus strand (C>T on the coding strand, the complement: ALK is on the minus strand). VCF-style: chr2-29207180-G-A. GRCh37 (hg19) VCF-style: chr2-29430046-G-A.
Other names: c.725C>T, p.Thr242Ile (NM_001353765.2); short protein forms T1310I, T242I.
Identifiers: ClinVar variation 404377 (VCV000404377.16), dbSNP rs1060500226, ClinGen allele CA16610766.

ClinVar aggregate classification (germline): Uncertain significance. Review status: criteria provided, multiple submitters, no conflicts (2 of 4 stars). 3 submissions from 3 submitters: Uncertain significance (3). Last evaluated 2025-09-02.

Conditions:
Hereditary cancer-predisposing syndrome. Also called: Tumor predisposition; Neoplastic Syndromes, Hereditary; Hereditary Cancer Syndrome; Hereditary neoplastic syndrome. Identifiers: Orphanet 140162, MedGen C0027672, MeSH D009386, MONDO:0015356.
Neuroblastoma, susceptibility to, 3. Also called: ALK-Related Neuroblastic Tumor Susceptibility. Identifiers: Orphanet 635, MedGen C2751681, MONDO:0013083, OMIM 613014.

Allele frequency attached by ClinVar (database versions not stated): gnomAD exomes below 0.00001; TOPMed below 0.00001.
gnomAD v4.1: 3 of 1,613,404 alleles (0.00019%); highest among the groups gnomAD compares: Non-Finnish European, 0.00025%; no homozygotes.

Submissions (3):

Labcorp Genetics (formerly Invitae), Labcorp
Classification: Uncertain significance for Neuroblastoma, susceptibility to, 3. Last evaluated: 2025-09-02. Review status: criteria provided, single submitter. Criteria: Invitae Variant Classification Sherloc (09022015). Collection method: clinical testing. Allele origin: germline.
Comment: This sequence change replaces threonine, which is neutral and polar, with isoleucine, which is neutral and non-polar, at codon 1310 of the ALK protein (p.Thr1310Ile). This variant is present in population databases (no rsID available, gnomAD 0.0009%). This variant has not been reported in the literature in individuals affected with ALK-related conditions. ClinVar contains an entry for this variant (Variation ID: 404377). An algorithm developed to predict the effect of missense changes on protein structure and function (PolyPhen-2) suggests that this variant is likely to be disruptive. In summary, the available evidence is currently insufficient to determine the role of this variant in disease. Therefore, it has been classified as a Variant of Uncertain Significance.

Ambry Genetics
Classification: Uncertain significance for Hereditary cancer-predisposing syndrome. Last evaluated: 2025-01-20. Review status: criteria provided, single submitter. Criteria: Ambry Variant Classification Scheme 2023. Collection method: clinical testing. Allele origin: germline.
Comment: The p.T1310I variant (also known as c.3929C>T), located in coding exon 26 of the ALK gene, results from a C to T substitution at nucleotide position 3929. The threonine at codon 1310 is replaced by isoleucine, an amino acid with similar properties. This amino acid position is highly conserved in available vertebrate species. In addition, this alteration is predicted to be deleterious by in silico analysis. Since supporting evidence is limited at this time, the clinical significance of this alteration remains unclear.

Baylor Genetics
Classification: Uncertain significance for Neuroblastoma, susceptibility to, 3. Last evaluated: 2020-01-13. Review status: criteria provided, single submitter. Criteria: ACMG Guidelines, 2015. Collection method: clinical testing. Allele origin: paternal. Affected: yes. Study: CSER-TexasKidsCanSeq.
Comment: This variant was determined to be of uncertain significance according to ACMG Guidelines, 2015 [PMID:25741868].